The following is an entry in ClinVar:

NM_006506.5(RASA2):c.827T>C (p.Val276Ala)

Gene: RASA2 (RAS p21 protein activator 2; plus strand). Cytogenetic location: 3q23.
Variant type: single nucleotide variant.
Coding change: c.827T>C on transcript NM_006506.5 (MANE Select); coding-DNA position 827, T replaced by C.
Protein change: p.Val276Ala; replaces valine 276 with alanine.
Molecular consequence: missense variant.
Genome position (GRCh38, 1-based): chr3:141,559,959, T>C. VCF-style: chr3-141559959-T-C. GRCh37 (hg19) VCF-style: chr3-141278801-T-C.
Other names: c.827T>C, p.Val276Ala (NM_001303245.3, NM_001303246.3); short protein forms V276A.
Identifiers: ClinVar variation 4694831 (VCV004694831.1).

ClinVar aggregate classification (germline): Uncertain significance (1 of 4 stars; one submission).

gnomAD v4.1: 15 of 1,613,196 alleles (0.00093%); highest among the groups gnomAD compares: Non-Finnish European, 0.0012%; no homozygotes.

Submission:

Labcorp Genetics (formerly Invitae), Labcorp
Classification: Uncertain significance. Last evaluated: 2025-10-28. Review status: criteria provided, single submitter. Criteria: Invitae Variant Classification Sherloc (09022015). Collection method: clinical testing. Allele origin: germline.
Comment: This sequence change replaces valine, which is neutral and non-polar, with alanine, which is neutral and non-polar, at codon 276 of the RASA2 protein (p.Val276Ala). This variant is not present in population databases (gnomAD no frequency). This variant has not been reported in the literature in individuals affected with RASA2-related conditions. Invitae Evidence Modeling of protein sequence and biophysical properties (such as structural, functional, and spatial information, amino acid conservation, physicochemical variation, residue mobility, and thermodynamic stability) indicates that this missense variant is not expected to disrupt RASA2 protein function with a negative predictive value of 80%. In summary, the available evidence is currently insufficient to determine the role of this variant in disease. Therefore, it has been classified as a Variant of Uncertain Significance.